The following is an entry in ClinVar:

ClinVar aggregate classification (germline): Uncertain significance. Review status: criteria provided, single submitter (1 of 4 stars). 2 submissions from 2 submitters: Uncertain significance (1). 1 of the submissions does not count toward it. Last evaluated 2023-10-03.

Conditions:
Cohen syndrome (COH1). Also called: PEPPER SYNDROME; Cutis verticis gyrata, retinitis pigmentosa, and sensorineural deafness. Identifiers: Orphanet 193, MedGen C0265223, MONDO:0008999, OMIM 216550.

Allele frequency attached by ClinVar (database versions not stated): gnomAD exomes below 0.00001.
gnomAD v4.1: 1 of 1,614,194 alleles (0.000062%); highest among the groups gnomAD compares: Non-Finnish European, 0.000085%; no homozygotes.

Submissions (2):

Labcorp Genetics (formerly Invitae), Labcorp
Classification: Uncertain significance for Cohen syndrome. Last evaluated: 2023-10-03. Review status: criteria provided, single submitter. Criteria: Invitae Variant Classification Sherloc (09022015). Collection method: clinical testing. Allele origin: germline.
Comment: This sequence change replaces valine, which is neutral and non-polar, with isoleucine, which is neutral and non-polar, at codon 3671 of the VPS13B protein (p.Val3671Ile). This variant is not present in population databases (gnomAD no frequency). This variant has not been reported in the literature in individuals affected with VPS13B-related conditions. ClinVar contains an entry for this variant (Variation ID: 852336). Advanced modeling of protein sequence and biophysical properties (such as structural, functional, and spatial information, amino acid conservation, physicochemical variation, residue mobility, and thermodynamic stability) performed at Invitae indicates that this missense variant is not expected to disrupt VPS13B protein function. In summary, the available evidence is currently insufficient to determine the role of this variant in disease. Therefore, it has been classified as a Variant of Uncertain Significance.

Natera, Inc.
Classification: Uncertain significance for Cohen syndrome. Last evaluated: 2021-08-04. Review status: no assertion criteria provided. Collection method: clinical testing. Allele origin: germline. Not counted in ClinVar's aggregate classification.

NM_152564.5(VPS13B):c.10936G>A (p.Val3646Ile)

Gene: VPS13B (vacuolar protein sorting 13 homolog B; plus strand). Cytogenetic location: 8q22.2.
Variant type: single nucleotide variant.
Coding change: c.10936G>A on transcript NM_152564.5 (MANE Select); coding-DNA position 10936, G replaced by A.
Protein change: p.Val3646Ile; replaces valine 3646 with isoleucine.
Molecular consequence: missense variant.
Genome position (GRCh38, 1-based): chr8:99,859,372, G>A. VCF-style: chr8-99859372-G-A. GRCh37 (hg19) VCF-style: chr8-100871600-G-A.
Other names: c.11011G>A, p.Val3671Ile (NM_017890.5); short protein forms V3646I, V3671I.
Identifiers: ClinVar variation 852336 (VCV000852336.11), dbSNP rs1816712060, ClinGen allele CA371789104.